The following is an entry in ClinVar:

NM_001042492.3(NF1):c.4410del (p.Ser1470fs)

Gene: NF1 (neurofibromin 1; plus strand). Cytogenetic location: 17q11.2.
Variant type: Deletion.
Coding change: c.4410del on transcript NM_001042492.3 (MANE Select); coding-DNA position 4410, one base deleted (C; older notation c.4410delC).
Protein change: p.Ser1470fs; shifts the reading frame from serine 1470.
Molecular consequence: frameshift variant.
Genome position (GRCh38, 1-based): chr17:31,259,109, C deleted. VCF-style (leftmost placement, unchanged base first): chr17-31259108-GC-G. GRCh37 (hg19) VCF-style: chr17-29586126-GC-G.
Other names: c.4347delC, p.Ser1449Argfs (NM_000267.4); short protein forms S1449fs, S1470fs.
Identifiers: ClinVar variation 1073727 (VCV001073727.5), dbSNP rs2151463168, ClinGen allele CA2499224134.

ClinVar aggregate classification (germline): Pathogenic (1 of 4 stars; one submission).

Conditions:
Neurofibromatosis, type 1 (NF1). Also called: VON RECKLINGHAUSEN DISEASE; Peripheral type neurofibromatosis; NEUROFIBROMATOSIS, TYPE I, SOMATIC; Neurofibromatosis, type I. Identifiers: Orphanet 636, MedGen C0027831, MONDO:0018975, OMIM 162200. Disease mechanism: loss of function.

Submission:

Labcorp Genetics (formerly Invitae), Labcorp
Classification: Pathogenic for Neurofibromatosis, type 1. Last evaluated: 2020-07-14. Review status: criteria provided, single submitter. Criteria: Invitae Variant Classification Sherloc (09022015). Collection method: clinical testing. Allele origin: germline.
Comment: Loss-of-function variants in NF1 are known to be pathogenic (PMID: 10712197, 23913538). For these reasons, this variant has been classified as Pathogenic. Algorithms developed to predict the effect of sequence changes on RNA splicing suggest that this variant may create or strengthen a splice site, but this prediction has not been confirmed by published transcriptional studies. This sequence change creates a premature translational stop signal (p.Ser1449Argfs*13) in the NF1 gene. It is expected to result in an absent or disrupted protein product. This variant is not present in population databases (ExAC no frequency). This variant has not been reported in the literature in individuals with NF1-related conditions.

Literature cited by the submitters: PubMed 10712197; PubMed 23913538.